The following is an entry in ClinVar:

ClinVar aggregate classification (germline): Pathogenic (1 of 4 stars; one submission).

Submission:

Labcorp Genetics (formerly Invitae), Labcorp
Classification: Pathogenic. Last evaluated: 2022-09-20. Review status: criteria provided, single submitter. Criteria: Invitae Variant Classification Sherloc (09022015). Collection method: clinical testing. Allele origin: germline.
Comment: For these reasons, this variant has been classified as Pathogenic. ClinVar contains an entry for this variant (Variation ID: 972017). This variant has not been reported in the literature in individuals affected with POLE-related conditions. This variant is not present in population databases (gnomAD no frequency). This sequence change creates a premature translational stop signal (p.Glu1648*) in the POLE gene. It is expected to result in an absent or disrupted protein product. Loss-of-function variants in POLE are known to be pathogenic (PMID: 23230001, 25948378, 30503519).

Literature cited by the submitters: PubMed 23230001; PubMed 25948378; PubMed 30503519.

NM_006231.4(POLE):c.4942G>T (p.Glu1648Ter)

Gene: POLE (DNA polymerase epsilon, catalytic subunit; minus strand). Cytogenetic location: 12q24.33.
Variant type: single nucleotide variant.
Coding change: c.4942G>T on transcript NM_006231.4 (MANE Select); coding-DNA position 4942, G replaced by T.
Protein change: p.Glu1648Ter; replaces glutamic acid 1648 with a stop codon.
Molecular consequence: nonsense.
Genome position (GRCh38, 1-based): chr12:132,642,516, C>A on the plus strand (G>T on the coding strand, the complement: POLE is on the minus strand). VCF-style: chr12-132642516-C-A. GRCh37 (hg19) VCF-style: chr12-133219102-C-A.
Other names: short protein forms E1648*.
Identifiers: ClinVar variation 972017 (VCV000972017.9), dbSNP rs532781183, ClinGen allele CA387377841.
Genomic context (GRCh38, chr12:132,642,516, plus strand): 5'-GCCGGCTCTGCCTGGGGACCACTGGCCCACAACGACAGTACTGTGCTCACCTGCTCATCT[C>A]GAAGGCCTGCGACAGGCAGGTGTCCAGGTTGAGGTAGTGACGGATCATGCGCCGGGCTCC-3'